The following is an entry in ClinVar:

NM_182914.3(SYNE2):c.15921G>T (p.Val5307=)

Gene: SYNE2 (spectrin repeat containing nuclear envelope protein 2; plus strand). Cytogenetic location: 14q23.2.
Variant type: single nucleotide variant.
Coding change: c.15921G>T on transcript NM_182914.3 (MANE Select); coding-DNA position 15921, G replaced by T.
Protein change: p.Val5307=; no amino-acid change (valine 5307 retained).
Molecular consequence: synonymous variant.
Genome position (GRCh38, 1-based): chr14:64,158,753, G>T. VCF-style: chr14-64158753-G-T. GRCh37 (hg19) VCF-style: chr14-64625471-G-T.
Other names: c.15921G>T, p.Val5307= (NM_015180.6).
Identifiers: ClinVar variation 707799 (VCV000707799.29), dbSNP rs555313966, ClinGen allele CA7223216.

ClinVar aggregate classification (germline): Benign/Likely benign. Review status: criteria provided, multiple submitters, no conflicts (2 of 4 stars). 2 submissions from 2 submitters: Benign (1); Likely benign (1). Last evaluated 2026-01-26.

Conditions:
Emery-Dreifuss muscular dystrophy 5, autosomal dominant (EDMD5). Also called: EMERY-DREIFUSS MUSCULAR DYSTROPHY 5. Identifiers: Orphanet 261, MedGen C2751805, MONDO:0013072, OMIM 612999.

Allele frequency attached by ClinVar (database versions not stated): gnomAD 0.00001 and 0.00032; TOPMed 0.00006; 1000 Genomes Project 30x 0.00141; 1000 Genomes Project 0.00180.
gnomAD v4.1: 688 of 1,613,984 alleles (0.043%); highest among the groups gnomAD compares: South Asian, 0.7%; 10 homozygotes.

Submissions (2):

Labcorp Genetics (formerly Invitae), Labcorp
Classification: Benign for Emery-Dreifuss muscular dystrophy 5, autosomal dominant. Last evaluated: 2026-01-26. Review status: criteria provided, single submitter. Criteria: Invitae Variant Classification Sherloc (09022015). Collection method: clinical testing. Allele origin: germline.

CeGaT Center for Human Genetics Tuebingen
Classification: Likely benign. Last evaluated: 2024-05-01. Review status: criteria provided, single submitter. Criteria: CeGaT Center For Human Genetics Tuebingen Variant Classification Criteria Version 2. Collection method: clinical testing. Allele origin: germline. Affected: yes. Observed: 2 variant alleles.
Comment: SYNE2: BP4, BP7, BS2